The following is an entry in ClinVar:

ClinVar aggregate classification (germline): Uncertain significance (1 of 4 stars; one submission).

Allele frequency attached by ClinVar (database versions not stated): gnomAD 0.00001; ExAC 0.00003.
gnomAD v4.1: 21 of 1,592,218 alleles (0.0013%); highest among the groups gnomAD compares: South Asian, 0.022%; no homozygotes.

Submission:

Labcorp Genetics (formerly Invitae), Labcorp
Classification: Uncertain significance. Last evaluated: 2025-10-27. Review status: criteria provided, single submitter. Criteria: Invitae Variant Classification Sherloc (09022015). Collection method: clinical testing. Allele origin: germline.
Comment: This sequence change falls in intron 12 of the DDX58 gene. It does not directly change the encoded amino acid sequence of the DDX58 protein. It affects a nucleotide within the consensus splice site. This variant is present in population databases (rs769049565, gnomAD 0.03%). This variant has not been reported in the literature in individuals affected with DDX58-related conditions. ClinVar contains an entry for this variant (Variation ID: 1511739). Variants that disrupt the consensus splice site are a relatively common cause of aberrant splicing (PMID: 17576681, 9536098). Algorithms developed to predict the effect of sequence changes on RNA splicing suggest that this variant is not likely to affect RNA splicing. In summary, the available evidence is currently insufficient to determine the role of this variant in disease. Therefore, it has been classified as a Variant of Uncertain Significance.

Literature cited by the submitters: PubMed 17576681; PubMed 9536098.

NM_014314.4(RIGI):c.1774+4A>T

Gene: RIGI (RNA sensor RIG-I; minus strand). Cytogenetic location: 9p21.1.
Variant type: single nucleotide variant.
Coding change: c.1774+4A>T on transcript NM_014314.4 (MANE Select); 4 bases into the intron after coding-DNA position 1774, A replaced by T.
Molecular consequence: intron variant.
Genome position (GRCh38, 1-based): chr9:32,480,215, T>A on the plus strand (A>T on the coding strand, the complement: RIGI is on the minus strand). VCF-style: chr9-32480215-T-A. GRCh37 (hg19) VCF-style: chr9-32480213-T-A.
Other names: c.1165+4A>T (NM_001385912.1); c.1759+4A>T (NM_001385913.1); c.1768+4A>T (NM_001385907.1); c.1774+4A>T (NM_001385909.1); c.1330+4A>T (NM_001385914.1); c.1333+4A>T (NM_001385910.1).
Identifiers: ClinVar variation 1511739 (VCV001511739.6), dbSNP rs769049565, ClinGen allele CA5019695.